The following is an entry in ClinVar:

NC_000013.11:g.(?_100527655)_(100530186_?)del

Genes: GGACT (gamma-glutamylamine cyclotransferase; minus strand), PCCA (propionyl-CoA carboxylase subunit alpha; plus strand). Cytogenetic location: 13q32.3.
Variant type: Deletion.
Identifiers: ClinVar variation 831847 (VCV000831847.1).

ClinVar aggregate classification (germline): Pathogenic (1 of 4 stars; one submission).

Conditions:
Propionic acidemia (PROP). Also called: GLYCINEMIA, KETOTIC; HYPERGLYCINEMIA WITH KETOACIDOSIS AND LEUKOPENIA; KETOTIC HYPERGLYCINEMIA. Identifiers: Orphanet 35, MedGen C0268579, MONDO:0011628, OMIM 606054, HP:0003571.

Submission:

Labcorp Genetics (formerly Invitae), Labcorp
Classification: Pathogenic for Propionyl-CoA carboxylase deficiency. Last evaluated: 2019-09-05. Review status: criteria provided, single submitter. Criteria: Invitae Variant Classification Sherloc (09022015). Collection method: clinical testing. Allele origin: germline.
Comment: This variant is a gross deletion of the genomic region encompassing exons 23-24 of the PCCA gene. The 5' boundary is likely confined to intron 22. The 3' end of this event is unknown as it extends through the termination codon beyond the assayed region for this gene and may encompass additional genes. While this deletion is not anticipated to result in nonsense mediated decay, it is expected to create a truncated protein product or disrupt mRNA translation. Deletion of exons 23-24 has not been reported in the literature in individuals with PCCA-related conditions. Sub-genic deletion of exon 23 has been determined to be pathogenic (PMID: 19157943, 22033733). Therefore, deletions that fully encompass that region are also expected to be pathogenic. For these reasons, this variant has been classified as Pathogenic.

Literature cited by the submitters: PubMed 22033733; PubMed 19157943.